The following is an entry in ClinVar:

NM_001277313.2(FMN1):c.2801C>T (p.Pro934Leu)

Gene: FMN1 (formin 1; minus strand). Cytogenetic location: 15q13.3.
Variant type: single nucleotide variant.
Coding change: c.2801C>T on transcript NM_001277313.2 (MANE Select); coding-DNA position 2801, C replaced by T.
Protein change: p.Pro934Leu; replaces proline 934 with leucine.
Molecular consequence: missense variant.
Genome position (GRCh38, 1-based): chr15:32,968,900, G>A on the plus strand (C>T on the coding strand, the complement: FMN1 is on the minus strand). VCF-style: chr15-32968900-G-A. GRCh37 (hg19) VCF-style: chr15-33261101-G-A.
Other names: c.2132C>T, p.Pro711Leu (NM_001103184.4); c.2132C>T (NM_001103184.2); short protein forms P934L, P711L.
Identifiers: ClinVar variation 2890947 (VCV002890947.4), dbSNP rs536239307, ClinGen allele CA7456870.

ClinVar aggregate classification (germline): Uncertain significance. Review status: criteria provided, multiple submitters, no conflicts (2 of 4 stars). 2 submissions from 2 submitters: Uncertain significance (2). Last evaluated 2025-11-20.

Allele frequency attached by ClinVar (database versions not stated): ExAC 0.00017; gnomAD 0.00030; 1000 Genomes Project 0.00040; gnomAD exomes 0.00003; 1000 Genomes Project 30x 0.00062; TOPMed 0.00050.
gnomAD v4.1: 59 of 801,128 alleles (0.0074%); highest among the groups gnomAD compares: African/African-American, 0.1%; no homozygotes.

Submissions (2):

Ambry Genetics
Classification: Uncertain significance. Last evaluated: 2025-11-20. Review status: criteria provided, single submitter. Criteria: Ambry Variant Classification Scheme 2023. Collection method: clinical testing. Allele origin: germline.

Labcorp Genetics (formerly Invitae), Labcorp
Classification: Uncertain significance. Last evaluated: 2025-07-28. Review status: criteria provided, single submitter. Criteria: Invitae Variant Classification Sherloc (09022015). Collection method: clinical testing. Allele origin: germline.
Comment: This sequence change replaces proline, which is neutral and non-polar, with leucine, which is neutral and non-polar, at codon 711 of the FMN1 protein (p.Pro711Leu). This variant is present in population databases (rs536239307, gnomAD 0.1%), and has an allele count higher than expected for a pathogenic variant. This variant has not been reported in the literature in individuals affected with FMN1-related conditions. ClinVar contains an entry for this variant (Variation ID: 2890947). An algorithm developed to predict the effect of missense changes on protein structure and function outputs the following: PolyPhen-2: "Not Available". The leucine amino acid residue is found in multiple mammalian species, which suggests that this missense change does not adversely affect protein function. In summary, the available evidence is currently insufficient to determine the role of this variant in disease. Therefore, it has been classified as a Variant of Uncertain Significance.